The following is an entry in ClinVar:

ClinVar aggregate classification (germline): Benign (0 of 4 stars; one submission).

Conditions:
HIVEP3-related disorder. Also called: HIVEP3-related condition.

Allele frequency attached by ClinVar (database versions not stated): 1000 Genomes Project 0.00958; 1000 Genomes Project 30x 0.01046; gnomAD 0.01132; ESP Exome Variant Server 0.01192; TOPMed 0.01260.
gnomAD v4.1: 3,350 of 1,584,156 alleles (0.21%); highest among the groups gnomAD compares: African/African-American, 4%; 63 homozygotes.

Submission:

PreventionGenetics, part of Exact Sciences
Classification: Benign for HIVEP3-related condition. Last evaluated: 2019-04-24. Review status: no assertion criteria provided. Collection method: clinical testing. Allele origin: germline.
Comment: This variant is classified as benign based on ACMG/AMP sequence variant interpretation guidelines (Richards et al. 2015 PMID: 25741868, with internal and published modifications).

NM_024503.5(HIVEP3):c.5042G>A (p.Arg1681His)

Gene: HIVEP3 (HIVEP zinc finger 3; minus strand). Cytogenetic location: 1p34.2.
Variant type: single nucleotide variant.
Coding change: c.5042G>A on transcript NM_024503.5 (MANE Select); coding-DNA position 5042, G replaced by A.
Protein change: p.Arg1681His; replaces arginine 1681 with histidine.
Molecular consequence: missense variant.
Genome position (GRCh38, 1-based): chr1:41,579,756, C>T on the plus strand (G>A on the coding strand, the complement: HIVEP3 is on the minus strand). VCF-style: chr1-41579756-C-T. GRCh37 (hg19) VCF-style: chr1-42045427-C-T.
Other names: c.5042G>A, p.Arg1681His (NM_001127714.3); short protein forms R1681H.
Identifiers: ClinVar variation 3055426 (VCV003055426.2), dbSNP rs114498379, ClinGen allele CA797592.